The following is an entry in ClinVar:

ClinVar aggregate classification (germline): Uncertain significance (1 of 4 stars; one submission).

Conditions:
Inborn genetic diseases. Identifiers: MedGen C0950123, MeSH D030342.

Submission:

Ambry Genetics
Classification: Uncertain significance for Inborn genetic diseases. Last evaluated: 2025-09-10. Review status: criteria provided, single submitter. Criteria: Ambry Variant Classification Scheme 2023. Collection method: clinical testing. Allele origin: germline.
Comment: The p.G32R variant (also known as c.94G>C), located in coding exon 1 of the CEBPA gene, results from a G to C substitution at nucleotide position 94. The glycine at codon 32 is replaced by arginine, an amino acid with dissimilar properties. This amino acid position is conserved. In addition, this alteration is predicted to be tolerated by in silico analysis. Based on the available evidence, the clinical significance of this variant remains unclear.

NM_004364.5(CEBPA):c.94G>C (p.Gly32Arg)

Gene: CEBPA (CCAAT enhancer binding protein alpha; minus strand). Cytogenetic location: 19q13.11.
Variant type: single nucleotide variant.
Coding change: c.94G>C on transcript NM_004364.5 (MANE Select); coding-DNA position 94, G replaced by C.
Protein change: p.Gly32Arg; replaces glycine 32 with arginine.
Molecular consequence: missense variant. On other transcripts: 5 prime UTR variant (1).
Genome position (GRCh38, 1-based): chr19:33,302,321, C>G on the plus strand (G>C on the coding strand, the complement: CEBPA is on the minus strand). VCF-style: chr19-33302321-C-G. GRCh37 (hg19) VCF-style: chr19-33793227-C-G.
Other names: c.-264G>C (NM_001285829.2); c.199G>C, p.Gly67Arg (NM_001287424.2); c.52G>C, p.Gly18Arg (NM_001287435.2); short protein forms G18R, G32R, G67R.
Identifiers: ClinVar variation 4225061 (VCV004225061.1).